The following is an entry in ClinVar:

NM_182895.5(SCARF2):c.1402C>G (p.Arg468Gly)

Gene: SCARF2 (scavenger receptor class F member 2; minus strand). Cytogenetic location: 22q11.21.
Variant type: single nucleotide variant.
Coding change: c.1402C>G on transcript NM_182895.5 (MANE Select); coding-DNA position 1402, C replaced by G.
Protein change: p.Arg468Gly; replaces arginine 468 with glycine.
Molecular consequence: missense variant.
Genome position (GRCh38, 1-based): chr22:20,429,558, G>C on the plus strand (C>G on the coding strand, the complement: SCARF2 is on the minus strand). VCF-style: chr22-20429558-G-C. GRCh37 (hg19) VCF-style: chr22-20783845-G-C.
Other names: c.1402C>G, p.Arg468Gly (NM_153334.7); short protein forms R468G.
Identifiers: ClinVar variation 3361083 (VCV003361083.1).
Genomic context (GRCh38, chr22:20,429,558, plus strand): 5'-CTGAACCCAGGCGAAAGCGGGGCAGTATCTGGGCTCACCGGCGCGTAGGGTCCTTGCCGC[G>C]GCAAGCGCAGCAGCAGCCGAGCAGCGAGAGCAGCAGGCAGACGAGCAGGACGAGCAGCGC-3'
Protein context (NP_878315.2, residues 458-478): LSLLGCCCAC[Arg468Gly]GKDPTRRELS

ClinVar aggregate classification (germline): Uncertain significance (1 of 4 stars; one submission).

Submission:

GeneDx
Classification: Uncertain significance. Last evaluated: 2023-07-18. Review status: criteria provided, single submitter. Criteria: GeneDx Variant Classification Process June 2021. Collection method: clinical testing. Allele origin: germline. Affected: yes.
Comment: Not observed at significant frequency in large population cohorts (gnomAD); In silico analysis supports that this missense variant does not alter protein structure/function; Has not been previously published as pathogenic or benign to our knowledge